The following is an entry in ClinVar:

ClinVar aggregate classification (germline): Uncertain significance. Review status: criteria provided, multiple submitters, no conflicts (2 of 4 stars). 2 submissions from 2 submitters: Uncertain significance (2). Last evaluated 2025-11-08.

Conditions:
Inborn genetic diseases. Identifiers: MedGen C0950123, MeSH D030342.
Congenital myasthenic syndrome 8. Also called: MYASTHENIC SYNDROME, CONGENITAL, DUE TO AGRIN DEFICIENCY; Myasthenic syndrome, congenital, 8, with pre- and postsynaptic defects. Identifiers: Orphanet 590, MedGen C3808739, MONDO:0014052, OMIM 615120.

Allele frequency attached by ClinVar (database versions not stated): gnomAD exomes 0.00003 and 0.00002; TOPMed below 0.00001; ExAC 0.00002; gnomAD 0.00003; ESP Exome Variant Server 0.00008.

Submissions (2):

Ambry Genetics
Classification: Uncertain significance for Inborn genetic diseases. Last evaluated: 2025-11-08. Review status: criteria provided, single submitter. Criteria: Ambry Variant Classification Scheme 2023. Collection method: clinical testing. Allele origin: germline.

Labcorp Genetics (formerly Invitae), Labcorp
Classification: Uncertain significance for Congenital myasthenic syndrome 8. Last evaluated: 2022-07-06. Review status: criteria provided, single submitter. Criteria: Invitae Variant Classification Sherloc (09022015). Collection method: clinical testing. Allele origin: germline.
Comment: This sequence change replaces glutamic acid, which is acidic and polar, with lysine, which is basic and polar, at codon 657 of the AGRN protein (p.Glu657Lys). This variant is present in population databases (rs377567167, gnomAD 0.009%). This variant has not been reported in the literature in individuals affected with AGRN-related conditions. ClinVar contains an entry for this variant (Variation ID: 541145). Algorithms developed to predict the effect of missense changes on protein structure and function are either unavailable or do not agree on the potential impact of this missense change (SIFT: "Deleterious"; PolyPhen-2: "Possibly Damaging"; Align-GVGD: "Class C0"). In summary, the available evidence is currently insufficient to determine the role of this variant in disease. Therefore, it has been classified as a Variant of Uncertain Significance.

NM_198576.4(AGRN):c.1969G>A (p.Glu657Lys)

Gene: AGRN (agrin; plus strand). Cytogenetic location: 1p36.33.
Variant type: single nucleotide variant.
Coding change: c.1969G>A on transcript NM_198576.4 (MANE Select); coding-DNA position 1969, G replaced by A.
Protein change: p.Glu657Lys; replaces glutamic acid 657 with lysine.
Molecular consequence: missense variant.
Genome position (GRCh38, 1-based): chr1:1,043,993, G>A. VCF-style: chr1-1043993-G-A. GRCh37 (hg19) VCF-style: chr1-979373-G-A.
Other names: c.1969G>A, p.Glu657Lys (NM_001305275.2); c.1654G>A, p.Glu552Lys (NM_001364727.2); short protein forms E657K, E552K.
Identifiers: ClinVar variation 541145 (VCV000541145.8), dbSNP rs377567167, ClinGen allele CA508397.